The following is an entry in ClinVar:

NM_032520.5(GNPTG):c.741+6G>A

Gene: GNPTG (N-acetylglucosamine-1-phosphate transferase subunit gamma; plus strand). Cytogenetic location: 16p13.3.
Variant type: single nucleotide variant.
Coding change: c.741+6G>A on transcript NM_032520.5 (MANE Select); 6 bases into the intron after coding-DNA position 741, G replaced by A.
Molecular consequence: intron variant.
Genome position (GRCh38, 1-based): chr16:1,362,748, G>A. VCF-style: chr16-1362748-G-A. GRCh37 (hg19) VCF-style: chr16-1412749-G-A.
Identifiers: ClinVar variation 317891 (VCV000317891.13), dbSNP rs371060844, ClinGen allele CA7807904.

ClinVar aggregate classification (germline): Conflicting classifications of pathogenicity. Review status: criteria provided, conflicting classifications (1 of 4 stars). 6 submissions from 6 submitters: Uncertain significance (2); Benign (1); Likely benign (2). 1 of the submissions does not count toward it. Last evaluated 2024-11-26.

Conditions:
GNPTG-mucolipidosis. Also called: ML III GAMMA; ML IIIC; Mucolipidosis type III gamma; MUCOLIPIDOSIS III, COMPLEMENTATION GROUP C; MUCOLIPIDOSIS III, IRANIAN VARIANT FORM; MUCOLIPIDOSIS III, VARIANT FORM. Identifiers: Orphanet 423470, Orphanet 577, MedGen C1854896, MONDO:0009652, OMIM 252605.

Allele frequency attached by ClinVar (database versions not stated): gnomAD exomes 0.00016; ExAC 0.00017; gnomAD 0.00039 and 0.00043; TOPMed 0.00041; ESP Exome Variant Server 0.00077.
gnomAD v4.1: 200 of 1,613,962 alleles (0.012%); highest among the groups gnomAD compares: African/African-American, 0.13%; 1 homozygote.

Submissions (6):

Blueprint Genetics
Classification: Benign. Last evaluated: 2024-11-26. Review status: criteria provided, single submitter. Criteria: ACMG Guidelines, 2015. Collection method: clinical testing. Allele origin: germline.

Labcorp Genetics (formerly Invitae), Labcorp
Classification: Uncertain significance. Last evaluated: 2022-09-27. Review status: criteria provided, single submitter. Criteria: Invitae Variant Classification Sherloc (09022015). Collection method: clinical testing. Allele origin: germline.
Comment: This sequence change falls in intron 9 of the GNPTG gene. It does not directly change the encoded amino acid sequence of the GNPTG protein. It affects a nucleotide within the consensus splice site. This variant is present in population databases (rs371060844, gnomAD 0.1%). This variant has not been reported in the literature in individuals affected with GNPTG-related conditions. ClinVar contains an entry for this variant (Variation ID: 317891). Variants that disrupt the consensus splice site are a relatively common cause of aberrant splicing (PMID: 17576681, 9536098). Algorithms developed to predict the effect of sequence changes on RNA splicing suggest that this variant is not likely to affect RNA splicing. In summary, the available evidence is currently insufficient to determine the role of this variant in disease. Therefore, it has been classified as a Variant of Uncertain Significance.

Genome-Nilou Lab
Classification: Likely benign for GNPTG-mucolipidosis. Last evaluated: 2021-11-07. Review status: criteria provided, single submitter. Criteria: ACMG Guidelines, 2015. Collection method: clinical testing. Allele origin: germline. Affected: no.

GeneDx
Classification: Likely benign. Last evaluated: 2018-04-26. Review status: criteria provided, single submitter. Criteria: GeneDx Variant Classification (06012015). Collection method: clinical testing. Allele origin: germline. Affected: yes.
Comment: This variant is considered likely benign or benign based on one or more of the following criteria: it is a conservative change, it occurs at a poorly conserved position in the protein, it is predicted to be benign by multiple in silico algorithms, and/or has population frequency not consistent with disease.

Illumina Laboratory Services, Illumina
Classification: Uncertain significance for GNPTG-mucolipidosis. Last evaluated: 2018-01-13. Review status: criteria provided, single submitter. Criteria: ICSL Variant Classification Criteria 13 December 2019. Collection method: clinical testing. Allele origin: germline.

Natera, Inc.
Classification: Uncertain significance for Mucolipidosis III gamma. Last evaluated: 2019-10-28. Review status: no assertion criteria provided. Collection method: clinical testing. Allele origin: germline. Not counted in ClinVar's aggregate classification.

Literature cited by the submitters: PubMed 17576681 (cited by Labcorp Genetics (formerly Invitae), Labcorp); PubMed 9536098 (cited by Labcorp Genetics (formerly Invitae), Labcorp).